The following is an entry in ClinVar:

ClinVar aggregate classification (germline): Uncertain significance. Review status: criteria provided, multiple submitters, no conflicts (2 of 4 stars). 2 submissions from 2 submitters: Uncertain significance (2). Last evaluated 2025-09-02.

Conditions:
Inborn genetic diseases. Identifiers: MedGen C0950123, MeSH D030342.

Allele frequency attached by ClinVar (database versions not stated): gnomAD 0.00008 and 0.00009; TOPMed 0.00009; gnomAD exomes 0.00010 and 0.00014; ExAC 0.00012; ESP Exome Variant Server 0.00015.
gnomAD v4.1: 222 of 1,614,044 alleles (0.014%); highest among the groups gnomAD compares: Non-Finnish European, 0.017%; no homozygotes.

Submissions (2):

Labcorp Genetics (formerly Invitae), Labcorp
Classification: Uncertain significance. Last evaluated: 2025-09-02. Review status: criteria provided, single submitter. Criteria: Invitae Variant Classification Sherloc (09022015). Collection method: clinical testing. Allele origin: germline.
Comment: This sequence change replaces serine, which is neutral and polar, with alanine, which is neutral and non-polar, at codon 70 of the C2CD3 protein (p.Ser70Ala). This variant is present in population databases (rs145021728, gnomAD 0.02%). This variant has not been reported in the literature in individuals affected with C2CD3-related conditions. ClinVar contains an entry for this variant (Variation ID: 1380298). Invitae Evidence Modeling of protein sequence and biophysical properties (such as structural, functional, and spatial information, amino acid conservation, physicochemical variation, residue mobility, and thermodynamic stability) indicates that this missense variant is expected to disrupt C2CD3 protein function with a positive predictive value of 80%. In summary, the available evidence is currently insufficient to determine the role of this variant in disease. Therefore, it has been classified as a Variant of Uncertain Significance.

Ambry Genetics
Classification: Uncertain significance for Inborn genetic diseases. Last evaluated: 2021-08-02. Review status: criteria provided, single submitter. Criteria: Ambry Variant Classification Scheme 2023. Collection method: clinical testing. Allele origin: germline.

NM_001286577.2(C2CD3):c.208T>G (p.Ser70Ala)

Gene: C2CD3 (C2 domain containing 3 centriole elongation regulator; minus strand). Cytogenetic location: 11q13.4.
Variant type: single nucleotide variant.
Coding change: c.208T>G on transcript NM_001286577.2 (MANE Select); coding-DNA position 208, T replaced by G.
Protein change: p.Ser70Ala; replaces serine 70 with alanine.
Molecular consequence: missense variant.
Genome position (GRCh38, 1-based): chr11:74,168,461, A>C on the plus strand (T>G on the coding strand, the complement: C2CD3 is on the minus strand). VCF-style: chr11-74168461-A-C. GRCh37 (hg19) VCF-style: chr11-73879506-A-C.
Other names: c.208T>G, p.Ser70Ala (NM_015531.6); c.208T>G (NM_015531.4); short protein forms S70A.
Identifiers: ClinVar variation 1380298 (VCV001380298.6), dbSNP rs145021728, ClinGen allele CA6183290.
Genomic context (GRCh38, chr11:74,168,461, plus strand): 5'-TTCTCACAGCTTTTGGTTCAGTCTGCAATGCATCCCTGGGACAAAAGAGGGTTCCATCTG[A>C]TGTTTCTCCCCACCATCTCACTCGGACAAGTACACAAGTGGGAGGCTTTGCAATCTTCCA-3'
Protein context (NP_001273506.1, residues 60-80): LVRVRWWGET[Ser70Ala]DGTLFCPRDA